The following is an entry in ClinVar:

NM_014861.4(ATP2C2):c.2482-2A>C

Genes: ATP2C2 (ATPase secretory pathway Ca2+ transporting 2; plus strand), ATP2C2-AS1 (ATP2C2 antisense RNA 1; minus strand), LOC126862427 (CDK7 strongly-dependent group 2 enhancer GRCh37_chr16:84494562-84495761; plus strand). Cytogenetic location: 16q24.1.
Variant type: single nucleotide variant.
Coding change: c.2482-2A>C on transcript NM_014861.4 (MANE Select); the canonical splice acceptor site of the intron before coding-DNA position 2482, A replaced by C.
Molecular consequence: splice acceptor variant. On other transcripts: non-coding transcript variant (1).
Genome position (GRCh38, 1-based): chr16:84,461,712, A>C. VCF-style: chr16-84461712-A-C. GRCh37 (hg19) VCF-style: chr16-84495318-A-C.
Other names: NC_000016.9:g.84495318A>C; c.2569-2A>C (NM_001286527.3); c.2029-2A>C (NM_001291454.2).
Identifiers: ClinVar variation 789227 (VCV000789227.31), dbSNP rs4782970, ClinGen allele CA8208449.

ClinVar aggregate classification (germline): Benign. Review status: criteria provided, multiple submitters, no conflicts (2 of 4 stars). 4 submissions from 4 submitters: Benign (3). 1 of the submissions does not count toward it. Last evaluated 2023-02-01.

Conditions:
ATP2C2-related disorder. Also called: ATP2C2-related condition.

Allele frequency attached by ClinVar (database versions not stated): 1000 Genomes Project 30x 0.00390; 1000 Genomes Project 0.00399; TOPMed 0.00579; ESP Exome Variant Server 0.00693; gnomAD 0.00769 and 0.00777; ExAC 0.00846; gnomAD exomes 0.00874.
gnomAD v4.1: 13,525 of 1,613,792 alleles (0.84%); highest among the groups gnomAD compares: Middle Eastern, 1.3%; 110 homozygotes.

Submissions (28):

CeGaT Center for Human Genetics Tuebingen
Classification: Benign. Last evaluated: 2023-02-01. Review status: criteria provided, single submitter. Criteria: CeGaT Center For Human Genetics Tuebingen Variant Classification Criteria Version 2. Collection method: clinical testing. Allele origin: germline. Affected: yes. Observed: 1 variant allele.
Comment: ATP2C2: BS1, BS2; ATP2C2-AS1: BS1, BS2

Labcorp Genetics (formerly Invitae), Labcorp
Classification: Benign. Last evaluated: 2019-12-31. Review status: criteria provided, single submitter. Criteria: Invitae Variant Classification Sherloc (09022015). Collection method: clinical testing. Allele origin: germline.

Breakthrough Genomics
Classification: Benign. Review status: criteria provided, single submitter. Criteria: ACMG Guidelines, 2015. Collection method: not provided. Allele origin: germline. Inheritance: Unknown mechanism. Affected: yes.

PreventionGenetics, part of Exact Sciences
Classification: Likely benign for ATP2C2-related condition. Last evaluated: 2020-08-31. Review status: no assertion criteria provided. Collection method: clinical testing. Allele origin: germline. Not counted in ClinVar's aggregate classification.
Comment: This variant is classified as likely benign based on ACMG/AMP sequence variant interpretation guidelines (Richards et al. 2015 PMID: 25741868, with internal and published modifications).

Dr. Peter K. Rogan Lab, Western University
No classification provided (evidence only). Condition: Lung cancer. Review status: no classification provided. Collection method: in vitro. Allele origin: not applicable. Functional consequence: retained intron. Not counted in ClinVar's aggregate classification.

Dr. Peter K. Rogan Lab, Western University
No classification provided (evidence only). Condition: Lung cancer. Review status: no classification provided. Collection method: in vitro. Allele origin: not applicable. Functional consequence: retained intron. Not counted in ClinVar's aggregate classification.

Dr. Peter K. Rogan Lab, Western University
No classification provided (evidence only). Condition: Lung cancer. Review status: no classification provided. Collection method: in vitro. Allele origin: not applicable. Functional consequence: retained intron. Not counted in ClinVar's aggregate classification.

Dr. Peter K. Rogan Lab, Western University
No classification provided (evidence only). Condition: Lung cancer. Review status: no classification provided. Collection method: in vitro. Allele origin: not applicable. Functional consequence: skipped exon, retained intron. Not counted in ClinVar's aggregate classification.

Dr. Peter K. Rogan Lab, Western University
No classification provided (evidence only). Condition: Lung cancer. Review status: no classification provided. Collection method: in vitro. Allele origin: not applicable. Functional consequence: retained intron. Not counted in ClinVar's aggregate classification.

Dr. Peter K. Rogan Lab, Western University
No classification provided (evidence only). Condition: Lung cancer. Review status: no classification provided. Collection method: in vitro. Allele origin: not applicable. Functional consequence: retained intron. Not counted in ClinVar's aggregate classification.

Dr. Peter K. Rogan Lab, Western University
No classification provided (evidence only). Condition: Lung cancer. Review status: no classification provided. Collection method: in vitro. Allele origin: not applicable. Functional consequence: retained intron. Not counted in ClinVar's aggregate classification.

Dr. Peter K. Rogan Lab, Western University
No classification provided (evidence only). Condition: Familial cancer of breast. Review status: no classification provided. Collection method: in vitro. Allele origin: not applicable. Functional consequence: retained intron. Not counted in ClinVar's aggregate classification.

Dr. Peter K. Rogan Lab, Western University
No classification provided (evidence only). Condition: Familial cancer of breast. Review status: no classification provided. Collection method: in vitro. Allele origin: not applicable. Functional consequence: retained intron. Not counted in ClinVar's aggregate classification.

Dr. Peter K. Rogan Lab, Western University
No classification provided (evidence only). Condition: Familial cancer of breast. Review status: no classification provided. Collection method: in vitro. Allele origin: not applicable. Functional consequence: retained intron. Not counted in ClinVar's aggregate classification.

Dr. Peter K. Rogan Lab, Western University
No classification provided (evidence only). Condition: Familial cancer of breast. Review status: no classification provided. Collection method: in vitro. Allele origin: not applicable. Functional consequence: retained intron. Not counted in ClinVar's aggregate classification.

Dr. Peter K. Rogan Lab, Western University
No classification provided (evidence only). Condition: Familial cancer of breast. Review status: no classification provided. Collection method: in vitro. Allele origin: not applicable. Functional consequence: retained intron. Not counted in ClinVar's aggregate classification.

Dr. Peter K. Rogan Lab, Western University
No classification provided (evidence only). Condition: Familial cancer of breast. Review status: no classification provided. Collection method: in vitro. Allele origin: not applicable. Functional consequence: retained intron. Not counted in ClinVar's aggregate classification.

Dr. Peter K. Rogan Lab, Western University
No classification provided (evidence only). Condition: Familial cancer of breast. Review status: no classification provided. Collection method: in vitro. Allele origin: not applicable. Functional consequence: retained intron. Not counted in ClinVar's aggregate classification.

Dr. Peter K. Rogan Lab, Western University
No classification provided (evidence only). Condition: Colorectal cancer. Review status: no classification provided. Collection method: in vitro. Allele origin: not applicable. Functional consequence: retained intron. Not counted in ClinVar's aggregate classification.

Dr. Peter K. Rogan Lab, Western University
No classification provided (evidence only). Condition: Colorectal cancer. Review status: no classification provided. Collection method: in vitro. Allele origin: not applicable. Functional consequence: retained intron. Not counted in ClinVar's aggregate classification.

Dr. Peter K. Rogan Lab, Western University
No classification provided (evidence only). Condition: Thyroid cancer, nonmedullary, 1. Review status: no classification provided. Collection method: in vitro. Allele origin: not applicable. Functional consequence: retained intron. Not counted in ClinVar's aggregate classification.

Dr. Peter K. Rogan Lab, Western University
No classification provided (evidence only). Condition: Uterine corpus endometrial carcinoma. Review status: no classification provided. Collection method: in vitro. Allele origin: not applicable. Functional consequence: retained intron. Not counted in ClinVar's aggregate classification.

Dr. Peter K. Rogan Lab, Western University
No classification provided (evidence only). Condition: Uterine corpus endometrial carcinoma. Review status: no classification provided. Collection method: in vitro. Allele origin: not applicable. Functional consequence: retained intron. Not counted in ClinVar's aggregate classification.

Dr. Peter K. Rogan Lab, Western University
No classification provided (evidence only). Condition: Thymoma. Review status: no classification provided. Collection method: in vitro. Allele origin: not applicable. Functional consequence: retained intron. Not counted in ClinVar's aggregate classification.

Dr. Peter K. Rogan Lab, Western University
No classification provided (evidence only). Condition: Ovarian serous cystadenocarcinoma. Review status: no classification provided. Collection method: in vitro. Allele origin: not applicable. Functional consequence: retained intron. Not counted in ClinVar's aggregate classification.

Dr. Peter K. Rogan Lab, Western University
No classification provided (evidence only). Condition: Malignant tumor of esophagus. Review status: no classification provided. Collection method: in vitro. Allele origin: not applicable. Functional consequence: skipped exon, retained intron. Not counted in ClinVar's aggregate classification.

Dr. Peter K. Rogan Lab, Western University
No classification provided (evidence only). Condition: Malignant tumor of esophagus. Review status: no classification provided. Collection method: in vitro. Allele origin: not applicable. Functional consequence: retained intron. Not counted in ClinVar's aggregate classification.

Dr. Peter K. Rogan Lab, Western University
No classification provided (evidence only). Condition: Malignant tumor of esophagus. Review status: no classification provided. Collection method: in vitro. Allele origin: not applicable. Functional consequence: retained intron. Not counted in ClinVar's aggregate classification.